The following is an entry in ClinVar:

NM_152703.5(SAMD9L):c.181C>G (p.Pro61Ala)

Gene: SAMD9L (sterile alpha motif domain containing 9 like; minus strand). Cytogenetic location: 7q21.2.
Variant type: single nucleotide variant.
Coding change: c.181C>G on transcript NM_152703.5 (MANE Select); coding-DNA position 181, C replaced by G.
Protein change: p.Pro61Ala; replaces proline 61 with alanine.
Molecular consequence: missense variant.
Genome position (GRCh38, 1-based): chr7:93,135,791, G>C on the plus strand (C>G on the coding strand, the complement: SAMD9L is on the minus strand). VCF-style: chr7-93135791-G-C. GRCh37 (hg19) VCF-style: chr7-92765104-G-C.
Other names: c.181C>G, p.Pro61Ala (NM_001303496.3, NM_001303497.3, NM_001303498.3 and 5 more transcripts); short protein forms P61A.
Identifiers: ClinVar variation 4826199 (VCV004826199.1).

ClinVar aggregate classification (germline): Uncertain significance (1 of 4 stars; one submission).

Conditions:
Inborn genetic diseases. Identifiers: MedGen C0950123, MeSH D030342.

Submission:

Ambry Genetics
Classification: Uncertain significance for Inborn genetic diseases. Last evaluated: 2026-03-14. Review status: criteria provided, single submitter. Criteria: Ambry Variant Classification Scheme 2023. Collection method: clinical testing. Allele origin: germline.
Comment: The p.P61A variant (also known as c.181C>G), located in coding exon 1 of the SAMD9L gene, results from a C to G substitution at nucleotide position 181. The proline at codon 61 is replaced by alanine, an amino acid with highly similar properties. This amino acid position is conserved. In addition, this alteration is predicted to be tolerated by in silico analysis. Based on the available evidence, the clinical significance of this variant remains unclear.